The following is an entry in ClinVar:

ClinVar aggregate classification (germline): Uncertain significance (1 of 4 stars; one submission).

Conditions:
Wilms tumor 1 (WT1). Also called: Wilms tumor, somatic. Identifiers: Orphanet 654, MedGen CN033288, MONDO:0008679, OMIM 194070.

Submission:

Labcorp Genetics (formerly Invitae), Labcorp
Classification: Uncertain significance for Wilms tumor 1. Last evaluated: 2024-08-31. Review status: criteria provided, single submitter. Criteria: Invitae Variant Classification Sherloc (09022015). Collection method: clinical testing. Allele origin: germline.
Comment: This sequence change replaces serine, which is neutral and polar, with asparagine, which is neutral and polar, at codon 173 of the GPC3 protein (p.Ser173Asn). This variant is not present in population databases (gnomAD no frequency). This variant has not been reported in the literature in individuals affected with GPC3-related conditions. ClinVar contains an entry for this variant (Variation ID: 1042394). Invitae Evidence Modeling of protein sequence and biophysical properties (such as structural, functional, and spatial information, amino acid conservation, physicochemical variation, residue mobility, and thermodynamic stability) indicates that this missense variant is not expected to disrupt GPC3 protein function with a negative predictive value of 80%. In summary, the available evidence is currently insufficient to determine the role of this variant in disease. Therefore, it has been classified as a Variant of Uncertain Significance.

NM_004484.4(GPC3):c.518G>A (p.Ser173Asn)

Gene: GPC3 (glypican 3; minus strand). Cytogenetic location: Xq26.2.
Variant type: single nucleotide variant.
Coding change: c.518G>A on transcript NM_004484.4 (MANE Select); coding-DNA position 518, G replaced by A.
Protein change: p.Ser173Asn; replaces serine 173 with asparagine.
Molecular consequence: missense variant.
Genome position (GRCh38, 1-based): chrX:133,753,996, C>T on the plus strand (G>A on the coding strand, the complement: GPC3 is on the minus strand). VCF-style: chrX-133753996-C-T. GRCh37 (hg19) VCF-style: chrX-132888023-C-T.
Other names: c.518G>A, p.Ser173Asn (NM_001164617.2); c.470G>A, p.Ser157Asn (NM_001164618.2); c.356G>A, p.Ser119Asn (NM_001164619.2); short protein forms S119N, S173N, S157N.
Identifiers: ClinVar variation 1042394 (VCV001042394.9), dbSNP rs2071700052, ClinGen allele CA414706442.
Genomic context (GRCh38, chrX:133,753,996, plus strand): 5'-TCCAAGGCTGAATCAGGCAGGCCTGGGTTCATTAGCTGGGTATAGATGACTGGAAACAGG[C>T]TGTCAAACAATTCATTGACCATGTCATCTACATTGATGTCAGAACCCAAGATGTAGAGAG-3'
Protein context (NP_004475.1, residues 163-183): VDDMVNELFD[Ser173Asn]LFPVIYTQLM